The following is an entry in ClinVar:

NM_014991.6(WDFY3):c.3791G>T (p.Arg1264Leu)

Gene: WDFY3 (WD repeat and FYVE domain containing 3; minus strand). Cytogenetic location: 4q21.23.
Variant type: single nucleotide variant.
Coding change: c.3791G>T on transcript NM_014991.6 (MANE Select); coding-DNA position 3791, G replaced by T.
Protein change: p.Arg1264Leu; replaces arginine 1264 with leucine.
Molecular consequence: missense variant.
Genome position (GRCh38, 1-based): chr4:84,787,592, C>A on the plus strand (G>T on the coding strand, the complement: WDFY3 is on the minus strand). VCF-style: chr4-84787592-C-A. GRCh37 (hg19) VCF-style: chr4-85708745-C-A.
Other names: short protein forms R1264L.
Identifiers: ClinVar variation 4755596 (VCV004755596.1).

ClinVar aggregate classification (germline): Uncertain significance (1 of 4 stars; one submission).

gnomAD v4.1: 1 of 1,614,102 alleles (0.000062%); highest among the groups gnomAD compares: Admixed American, 0.0017%; no homozygotes.

Submission:

GeneDx
Classification: Uncertain significance. Last evaluated: 2025-08-05. Review status: criteria provided, single submitter. Criteria: GeneDx Variant Classification Process June 2021. Collection method: clinical testing. Allele origin: germline. Affected: yes.
Comment: Not observed at significant frequency in large population cohorts (gnomAD); In silico analysis supports that this missense variant has a deleterious effect on protein structure/function; Has not been previously published as pathogenic or benign to our knowledge